The following is an entry in ClinVar:

NM_006269.2(RP1):c.1601A>G (p.Lys534Arg)

Gene: RP1 (RP1 axonemal microtubule associated; plus strand). Cytogenetic location: 8q12.1.
Variant type: single nucleotide variant.
Coding change: c.1601A>G on transcript NM_006269.2 (MANE Select); coding-DNA position 1601, A replaced by G.
Protein change: p.Lys534Arg; replaces lysine 534 with arginine.
Molecular consequence: missense variant. On other transcripts: intron variant (1).
Genome position (GRCh38, 1-based): chr8:54,625,483, A>G. VCF-style: chr8-54625483-A-G. GRCh37 (hg19) VCF-style: chr8-55538043-A-G.
Other names: c.787+3195A>G (NM_001375654.1); short protein forms K534R.
Identifiers: ClinVar variation 1310456 (VCV001310456.2), dbSNP rs2129316192, ClinGen allele CA370990944.

ClinVar aggregate classification (germline): Uncertain significance (1 of 4 stars; one submission).

Allele frequency attached by ClinVar (database versions not stated): gnomAD exomes below 0.00001.
gnomAD v4.1: 4 of 1,614,054 alleles (0.00025%); highest among the groups gnomAD compares: Admixed American, 0.0017%; no homozygotes.

Submission:

GeneDx
Classification: Uncertain significance. Last evaluated: 2019-12-04. Review status: criteria provided, single submitter. Criteria: GeneDx Variant Classification Process June 2021. Collection method: clinical testing. Allele origin: germline. Affected: yes.
Comment: Not observed in large population cohorts (Lek et al., 2016); In silico analysis, which includes protein predictors and evolutionary conservation, supports that this variant does not alter protein structure/function; Has not been previously published as pathogenic or benign to our knowledge